The following is an entry in ClinVar:

NM_000051.4(ATM):c.8654T>A (p.Leu2885His)

Genes: ATM (ATM serine/threonine kinase; plus strand), C11orf65 (chromosome 11 open reading frame 65; minus strand). Cytogenetic location: 11q22.3.
Variant type: single nucleotide variant.
Coding change: c.8654T>A on transcript NM_000051.4 (MANE Select); coding-DNA position 8654, T replaced by A.
Protein change: p.Leu2885His; replaces leucine 2885 with histidine.
Molecular consequence: missense variant. On other transcripts: intron variant (2).
Genome position (GRCh38, 1-based): chr11:108,347,348, T>A. VCF-style: chr11-108347348-T-A. GRCh37 (hg19) VCF-style: chr11-108218075-T-A.
Other names: c.8654T>A, p.Leu2885His (NM_001351834.2); c.641-38277A>T (NM_001330368.2); c.695-12056A>T (NM_001351110.2); short protein forms L2885H.
Identifiers: ClinVar variation 1035384 (VCV001035384.9), dbSNP rs2088560069, ClinGen allele CA382521160.

ClinVar aggregate classification (germline): Uncertain significance (1 of 4 stars; one submission).

Conditions:
Ataxia-telangiectasia syndrome (AT). Also called: Ataxia telangiectasia (A-T); ATAXIA-TELANGIECTASIA, COMPLEMENTATION GROUP A; ATAXIA-TELANGIECTASIA, FRESNO VARIANT; Ataxia-telangiectasia; Ataxia-telangiectasia, complementation group E; LOUIS-BAR SYNDROME. Identifiers: Orphanet 100, MedGen C0004135, MONDO:0008840, OMIM 208900.

Submission:

Labcorp Genetics (formerly Invitae), Labcorp
Classification: Uncertain significance for Ataxia-telangiectasia syndrome. Last evaluated: 2020-03-14. Review status: criteria provided, single submitter. Criteria: Invitae Variant Classification Sherloc (09022015). Collection method: clinical testing. Allele origin: germline.
Comment: This sequence change replaces leucine with histidine at codon 2885 of the ATM protein (p.Leu2885His). The leucine residue is highly conserved and there is a moderate physicochemical difference between leucine and histidine. This variant is not present in population databases (ExAC no frequency). This variant has not been reported in the literature in individuals with ATM-related conditions. Algorithms developed to predict the effect of missense changes on protein structure and function (SIFT, PolyPhen-2, Align-GVGD) all suggest that this variant is likely to be disruptive, but these predictions have not been confirmed by published functional studies and their clinical significance is uncertain. In summary, the available evidence is currently insufficient to determine the role of this variant in disease. Therefore, it has been classified as a Variant of Uncertain Significance.